The following is an entry in ClinVar:

ClinVar aggregate classification (germline): Likely pathogenic (1 of 4 stars; one submission).

Conditions:
3-methylglutaconic aciduria type 1 (MGCA1). Identifiers: Orphanet 67046, MedGen C0342727, MONDO:0009610, OMIM 250950.

Allele frequency attached by ClinVar (database versions not stated): ESP Exome Variant Server 0.00016; gnomAD 0.00001 and 0.00002; TOPMed 0.00001; gnomAD exomes 0.00002 and 0.00001; ExAC 0.00002.

Submission:

Labcorp Genetics (formerly Invitae), Labcorp
Classification: Likely pathogenic for 3-methylglutaconic aciduria type 1. Last evaluated: 2024-07-27. Review status: criteria provided, single submitter. Criteria: Invitae Variant Classification Sherloc (09022015). Collection method: clinical testing. Allele origin: germline.
Comment: This sequence change affects a splice site in intron 6 of the AUH gene. It is expected to disrupt RNA splicing. Variants that disrupt the donor or acceptor splice site typically lead to a loss of protein function (PMID: 16199547), and loss-of-function variants in AUH are known to be pathogenic (PMID: 12655555, 20882351). The frequency data for this variant in the population databases is considered unreliable, as metrics indicate poor data quality at this position in the gnomAD database. Disruption of this splice site has been observed in individual(s) with clinical features of 3-methylglutaconic aciduria (Invitae). ClinVar contains an entry for this variant (Variation ID: 936309). Algorithms developed to predict the effect of sequence changes on RNA splicing suggest that this variant may disrupt the consensus splice site. In summary, the currently available evidence indicates that the variant is pathogenic, but additional data are needed to prove that conclusively. Therefore, this variant has been classified as Likely Pathogenic.

Literature cited by the submitters: PubMed 16199547; PubMed 12655555; PubMed 20882351.

NM_001698.3(AUH):c.656-2del

Gene: AUH (AU RNA binding methylglutaconyl-CoA hydratase; minus strand). Cytogenetic location: 9q22.31.
Variant type: Deletion.
Coding change: c.656-2del on transcript NM_001698.3 (MANE Select); the canonical splice acceptor site of the intron before coding-DNA position 656, one base deleted (A; older notation c.656-2delA).
Molecular consequence: splice acceptor variant.
Genome position (GRCh38, 1-based): chr9:91,220,994, T deleted on the plus strand (A on the coding strand, the reverse complement: AUH is on the minus strand). VCF-style (leftmost placement, unchanged base first): chr9-91220993-CT-C. GRCh37 (hg19) VCF-style: chr9-93983275-CT-C.
Other names: c.569-2del (NM_001306190.2); c.329-2del (NM_001351433.2, NM_001351431.2, NM_001351432.2).
Identifiers: ClinVar variation 936309 (VCV000936309.10), dbSNP rs780964098, ClinGen allele CA5119764.
Genomic context (GRCh38, chr9:91,220,993, plus strand): 5'-AGAATATGAGCTCCTTGGCCAGGGACATTCCAATGGCGCGTGGCAATCGCTGTGTCCCCC[CT>C]GAGGGGTGAAAGAGAGAGAAAAGGCAATGATTTGACACCTGTTAGTTTTAACACTTCAGT-3'